The following is an entry in ClinVar:

ClinVar aggregate classification (germline): Uncertain significance. Review status: criteria provided, multiple submitters, no conflicts (2 of 4 stars). 2 submissions from 2 submitters: Uncertain significance (2). Last evaluated 2025-12-11.

Allele frequency attached by ClinVar (database versions not stated): gnomAD exomes 0.00003; TOPMed 0.00004; gnomAD 0.00006.
gnomAD v4.1: 101 of 1,443,946 alleles (0.007%); highest among the groups gnomAD compares: Non-Finnish European, 0.0088%; no homozygotes.

Submissions (2):

Women's Health and Genetics/Laboratory Corporation of America, LabCorp
Classification: Uncertain significance. Last evaluated: 2025-12-11. Review status: criteria provided, single submitter. Criteria: LabCorp Variant Classification Summary - May 2015. Collection method: clinical testing. Allele origin: germline.
Comment: Variant summary: ABHD12 c.53C>G (p.Ala18Gly) results in a non-conservative amino acid change in the encoded protein sequence. Algorithms developed to predict the effect of missense changes on protein structure and function are either unavailable or do not agree on the potential impact of this missense change. The variant allele was found at a frequency of 2.9e-05 in 69142 control chromosomes. The available data on variant occurrences in the general population are insufficient to allow any conclusion about variant significance. To our knowledge, no occurrence of c.53C>G in individuals affected with ABHD12-related conditions and no experimental evidence demonstrating its impact on protein function have been reported. ClinVar contains an entry for this variant (Variation ID: 1347676). Based on the evidence outlined above, the variant was classified as uncertain significance.

Labcorp Genetics (formerly Invitae), Labcorp
Classification: Uncertain significance. Last evaluated: 2024-10-26. Review status: criteria provided, single submitter. Criteria: Invitae Variant Classification Sherloc (09022015). Collection method: clinical testing. Allele origin: germline.
Comment: This sequence change replaces alanine, which is neutral and non-polar, with glycine, which is neutral and non-polar, at codon 18 of the ABHD12 protein (p.Ala18Gly). This variant is present in population databases (no rsID available, gnomAD 0.005%). This variant has not been reported in the literature in individuals affected with ABHD12-related conditions. ClinVar contains an entry for this variant (Variation ID: 1347676). An algorithm developed to predict the effect of missense changes on protein structure and function (PolyPhen-2) suggests that this variant¬†is likely to be tolerated. In summary, the available evidence is currently insufficient to determine the role of this variant in disease. Therefore, it has been classified as a Variant of Uncertain Significance.

NM_001042472.3(ABHD12):c.53C>G (p.Ala18Gly)

Genes: ABHD12 (abhydrolase domain containing 12, lysophospholipase; minus strand), LOC130065586 (ATAC-STARR-seq lymphoblastoid silent region 12752; plus strand). Cytogenetic location: 20p11.21.
Variant type: single nucleotide variant.
Coding change: c.53C>G on transcript NM_001042472.3 (MANE Select); coding-DNA position 53, C replaced by G.
Protein change: p.Ala18Gly; replaces alanine 18 with glycine.
Molecular consequence: missense variant.
Genome position (GRCh38, 1-based): chr20:25,390,651, G>C on the plus strand (C>G on the coding strand, the complement: ABHD12 is on the minus strand). VCF-style: chr20-25390651-G-C. GRCh37 (hg19) VCF-style: chr20-25371287-G-C.
Other names: c.53C>G, p.Ala18Gly (NM_015600.5); short protein forms A18G.
Identifiers: ClinVar variation 1347676 (VCV001347676.5), dbSNP rs1014645080, ClinGen allele CA313686219.